The following is an entry in ClinVar:

ClinVar aggregate classification (germline): Uncertain significance (1 of 4 stars; one submission).

Submission:

Ambry Genetics
Classification: Uncertain significance. Last evaluated: 2025-04-13. Review status: criteria provided, single submitter. Criteria: Ambry Variant Classification Scheme 2023. Collection method: clinical testing. Allele origin: germline.
Comment: The p.D481H variant (also known as c.1441G>C), located in coding exon 11 of the RECQL gene, results from a G to C substitution at nucleotide position 1441. The aspartic acid at codon 481 is replaced by histidine, an amino acid with similar properties. This amino acid position is conserved. In addition, this alteration is predicted to be tolerated by in silico analysis. Based on the available evidence, the clinical significance of this variant remains unclear.

NM_002907.4(RECQL):c.1441G>C (p.Asp481His)

Gene: RECQL (RecQ like helicase; minus strand). Cytogenetic location: 12p12.1.
Variant type: single nucleotide variant.
Coding change: c.1441G>C on transcript NM_002907.4 (MANE Select); coding-DNA position 1441, G replaced by C.
Protein change: p.Asp481His; replaces aspartic acid 481 with histidine.
Molecular consequence: missense variant.
Genome position (GRCh38, 1-based): chr12:21,473,557, C>G on the plus strand (G>C on the coding strand, the complement: RECQL is on the minus strand). VCF-style: chr12-21473557-C-G. GRCh37 (hg19) VCF-style: chr12-21626491-C-G.
Other names: c.1441G>C, p.Asp481His (NM_032941.3); short protein forms D481H.
Identifiers: ClinVar variation 3944207 (VCV003944207.1).